The following is an entry in ClinVar:

NM_005618.4(DLL1):c.1704C>T (p.Cys568=)

Gene: DLL1 (delta like canonical Notch ligand 1; minus strand). Cytogenetic location: 6q27.
Variant type: single nucleotide variant.
Coding change: c.1704C>T on transcript NM_005618.4 (MANE Select); coding-DNA position 1704, C replaced by T.
Protein change: p.Cys568=; no amino-acid change (cysteine 568 retained).
Molecular consequence: synonymous variant.
Genome position (GRCh38, 1-based): chr6:170,283,575, G>A on the plus strand (C>T on the coding strand, the complement: DLL1 is on the minus strand). VCF-style: chr6-170283575-G-A. GRCh37 (hg19) VCF-style: chr6-170592663-G-A.
Identifiers: ClinVar variation 1584267 (VCV001584267.31), dbSNP rs773043411, ClinGen allele CA4106757.
Genomic context (GRCh38, chr6:170,283,575, plus strand): 5'-CTCCGTCTCCCCCCGGCAGGGGTCGGCTGGGGGCCGGTGCTTCTGCAGCCTCAGCCGGAC[G>A]CAGACCACCACAGCGGCACAGCCCAGCAGCAGCATGAGGACAAGGATGACCCCGGCGCAC-3'
Protein context (NP_005609.3, residues 558-578): LLLGCAAVVV[Cys568=]VRLRLQKHRP

ClinVar aggregate classification (germline): Likely benign. Review status: criteria provided, multiple submitters, no conflicts (2 of 4 stars). 2 submissions from 2 submitters: Likely benign (2). Last evaluated 2024-10-13.

Allele frequency attached by ClinVar (database versions not stated): gnomAD 0.00003 and 0.00004; TOPMed 0.00003; gnomAD exomes 0.00004 and 0.00006; ExAC 0.00009.

Submissions (2):

Labcorp Genetics (formerly Invitae), Labcorp
Classification: Likely benign. Last evaluated: 2024-10-13. Review status: criteria provided, single submitter. Criteria: Invitae Variant Classification Sherloc (09022015). Collection method: clinical testing. Allele origin: germline.

CeGaT Center for Human Genetics Tuebingen
Classification: Likely benign. Last evaluated: 2023-12-01. Review status: criteria provided, single submitter. Criteria: CeGaT Center For Human Genetics Tuebingen Variant Classification Criteria Version 2. Collection method: clinical testing. Allele origin: germline. Affected: yes. Observed: 1 variant allele.
Comment: DLL1: BP4, BP7